The following is an entry in ClinVar:

NM_138694.4(PKHD1):c.5690C>T (p.Pro1897Leu)

Gene: PKHD1 (PKHD1 ciliary IPT domain containing fibrocystin/polyductin; minus strand). Cytogenetic location: 6p12.2.
Variant type: single nucleotide variant.
Coding change: c.5690C>T on transcript NM_138694.4 (MANE Select); coding-DNA position 5690, C replaced by T.
Protein change: p.Pro1897Leu; replaces proline 1897 with leucine.
Molecular consequence: missense variant.
Genome position (GRCh38, 1-based): chr6:52,010,370, G>A on the plus strand (C>T on the coding strand, the complement: PKHD1 is on the minus strand). VCF-style: chr6-52010370-G-A. GRCh37 (hg19) VCF-style: chr6-51875168-G-A.
Other names: c.5690C>T, p.Pro1897Leu (NM_170724.3); short protein forms P1897L.
Identifiers: ClinVar variation 3306985 (VCV003306985.2).
Genomic context (GRCh38, chr6:52,010,370, plus strand): 5'-TGAGTGTTCTGGCCCCAGCGTTTCCGTATCTCAGTAATCTTGACGGTAATTGGCTGATTG[G>A]GCGTCTCACACTCCATCTCTGCCTCAGTTTCCATGGTAATGTTACAGGAGCTATTATAGA-3'
Protein context (NP_619639.3, residues 1887-1907): ETEAEMECET[Pro1897Leu]NQPITVKITE

ClinVar aggregate classification (germline): Uncertain significance. Review status: criteria provided, multiple submitters, no conflicts (2 of 4 stars). 2 submissions from 2 submitters: Uncertain significance (2). Last evaluated 2025-10-03.

Conditions:
Inborn genetic diseases. Identifiers: MedGen C0950123, MeSH D030342.
Polycystic kidney disease 4 (PKD4). Also called: POLYCYSTIC KIDNEY AND HEPATIC DISEASE 1; POLYCYSTIC KIDNEY DISEASE, INFANTILE, TYPE I; Autosomal Recessive Polycystic Kidney Disease – PKHD1; POLYCYSTIC KIDNEY DISEASE 4 WITH OR WITHOUT POLYCYSTIC LIVER DISEASE; PKD3. Identifiers: MedGen C4540575, MONDO:0033004, OMIM 263200.

Submissions (2):

Rare Kidney Stone Consortium and the Mayo Clinic Hyperoxaluria Center, Mayo Clinic
Classification: Uncertain significance for Polycystic kidney disease 4. Last evaluated: 2025-10-03. Review status: criteria provided, single submitter. Criteria: ACMG Guidelines, 2015. Collection method: research. Allele origin: germline. Observed: 1 variant allele.
Comment: ACMG:PM1, PM2, PP3

Ambry Genetics
Classification: Uncertain significance for Inborn genetic diseases. Last evaluated: 2024-03-30. Review status: criteria provided, single submitter. Criteria: Ambry Variant Classification Scheme 2023. Collection method: clinical testing. Allele origin: germline.

Literature cited by the submitters: PubMed 40794449 (cited by Rare Kidney Stone Consortium and the Mayo Clinic Hyperoxaluria Center, Mayo Clinic).